The following is an entry in ClinVar:

ClinVar aggregate classification (germline): Uncertain significance (1 of 4 stars; one submission).

Conditions:
Dyskeratosis congenita, autosomal dominant 2. Identifiers: MedGen C3151443, MONDO:0013521, OMIM 613989.
Idiopathic Pulmonary Fibrosis. Also called: Idiopathic fibrosing alveolitis, chronic form; idiopathic fibrosing alveolitis. Identifiers: Orphanet 2032, MedGen C1800706, MeSH D054990, MONDO:0800504.

Submission:

Labcorp Genetics (formerly Invitae), Labcorp
Classification: Uncertain significance for Dyskeratosis congenita, autosomal dominant 2; Idiopathic Pulmonary Fibrosis. Last evaluated: 2020-02-20. Review status: criteria provided, single submitter. Criteria: Invitae Variant Classification Sherloc (09022015). Collection method: clinical testing. Allele origin: germline.
Comment: This variant is not present in population databases (ExAC no frequency). This sequence change replaces leucine with tryptophan at codon 871 of the TERT protein (p.Leu871Trp). The leucine residue is highly conserved and there is a small physicochemical difference between leucine and tryptophan. This variant has not been reported in the literature in individuals with TERT-related conditions. In summary, the available evidence is currently insufficient to determine the role of this variant in disease. Therefore, it has been classified as a Variant of Uncertain Significance. Algorithms developed to predict the effect of missense changes on protein structure and function (SIFT, PolyPhen-2, Align-GVGD) all suggest that this variant is likely to be disruptive, but these predictions have not been confirmed by published functional studies and their clinical significance is uncertain.

NM_198253.3(TERT):c.2612T>G (p.Leu871Trp)

Gene: TERT (telomerase reverse transcriptase; minus strand). Cytogenetic location: 5p15.33.
Variant type: single nucleotide variant.
Coding change: c.2612T>G on transcript NM_198253.3 (MANE Select); coding-DNA position 2612, T replaced by G.
Protein change: p.Leu871Trp; replaces leucine 871 with tryptophan.
Molecular consequence: missense variant. On other transcripts: non-coding transcript variant (2).
Genome position (GRCh38, 1-based): chr5:1,266,506, A>C on the plus strand (T>G on the coding strand, the complement: TERT is on the minus strand). VCF-style: chr5-1266506-A-C. GRCh37 (hg19) VCF-style: chr5-1266621-A-C.
Other names: c.2612T>G, p.Leu871Trp (NM_001193376.3); short protein forms L871W.
Identifiers: ClinVar variation 1046990 (VCV001046990.9), dbSNP rs1748616956, ClinGen allele CA359073234.